The following is an entry in ClinVar:

NM_000199.5(SGSH):c.1125del (p.Met376fs)

Gene: SGSH (N-sulfoglucosamine sulfohydrolase; minus strand). Cytogenetic location: 17q25.3.
Variant type: Deletion.
Coding change: c.1125del on transcript NM_000199.5 (MANE Select); coding-DNA position 1125, one base deleted (C; older notation c.1125delC).
Protein change: p.Met376fs; shifts the reading frame from methionine 376.
Molecular consequence: frameshift variant. On other transcripts: 3 prime UTR variant (2), non-coding transcript variant (1).
Genome position (GRCh38, 1-based): chr17:80,210,836, G deleted on the plus strand (C on the coding strand, the reverse complement: SGSH is on the minus strand); the first of 4 consecutive G bases (chr17:80,210,836-80,210,839); deleting any one gives the same sequence. VCF-style (leftmost placement, unchanged base first): chr17-80210835-TG-T. GRCh37 (hg19) VCF-style: chr17-78184634-TG-T.
Other names: c.*212del (NM_001352921.3); c.*175del (NM_001352922.2); short protein forms M376fs.
Identifiers: ClinVar variation 5004715 (VCV005004715.1).

ClinVar aggregate classification (germline): Pathogenic (1 of 4 stars; one submission).

Conditions:
Mucopolysaccharidosis, MPS-III-A (MPS3A). Also called: HEPARAN SULFATE SULFATASE DEFICIENCY; MUCOPOLYSACCHARIDOSIS, TYPE IIIA, ATTENUATED; SANFILIPPO SYNDROME A; MPS III A; Mucopolysaccharidosis type IIIA (Sanfilippo A); Mucopolysaccharidosis, type IIIA. Identifiers: Orphanet 581, Orphanet 79269, MedGen C0086647, MONDO:0009655, OMIM 252900.

Submission:

Myriad Genetics, Inc.
Classification: Pathogenic for Mucopolysaccharidosis, MPS-III-A. Last evaluated: 2026-06-04. Review status: criteria provided, single submitter. Criteria: Myriad Autosomal Dominant, Autosomal Recessive and X-Linked Classification Criteria (2023). Collection method: clinical testing. Allele origin: unknown.
Comment: NM_000199.3(SGSH):c.1125delC(M376Cfs*37) is a frameshift variant classified as pathogenic in the context of mucopolysaccharidosis type IIIA. M376Cfs*37 has not been observed in cases with relevant disease. Relevant functional assessments of this variant are not available in the literature. M376Cfs*37 has not been observed in referenced population frequency databases. In summary, NM_000199.3(SGSH):c.1125delC(M376Cfs*37) is a frameshift variant in a gene where loss of function is a known mechanism of disease and is predicted to disrupt protein function. Please note: this variant was assessed in the context of healthy population screening.